The following is an entry in ClinVar:

ClinVar aggregate classification (germline): Conflicting classifications of pathogenicity. Review status: criteria provided, conflicting classifications (1 of 4 stars). 2 submissions from 2 submitters: Uncertain significance (1); Likely benign (1). Last evaluated 2023-12-07.

Conditions:
Hereditary cancer-predisposing syndrome. Also called: Neoplastic Syndromes, Hereditary; Hereditary Cancer Syndrome; Hereditary neoplastic syndrome; Tumor predisposition. Identifiers: Orphanet 140162, MedGen C0027672, MeSH D009386, MONDO:0015356.

Submissions (2):

Ambry Genetics
Classification: Likely benign for Hereditary cancer-predisposing syndrome. Last evaluated: 2023-12-07. Review status: criteria provided, single submitter. Criteria: Ambry Variant Classification Scheme 2023. Collection method: clinical testing. Allele origin: germline.

Labcorp Genetics (formerly Invitae), Labcorp
Classification: Uncertain significance. Last evaluated: 2023-08-30. Review status: criteria provided, single submitter. Criteria: Invitae Variant Classification Sherloc (09022015). Collection method: clinical testing. Allele origin: germline.
Comment: In summary, the available evidence is currently insufficient to determine the role of this variant in disease. Therefore, it has been classified as a Variant of Uncertain Significance. Algorithms developed to predict the effect of missense changes on protein structure and function output the following: SIFT: "Not Available"; PolyPhen-2: "Benign"; Align-GVGD: "Not Available". The tyrosine amino acid residue is found in multiple mammalian species, which suggests that this missense change does not adversely affect protein function. This sequence change replaces aspartic acid, which is acidic and polar, with tyrosine, which is neutral and polar, at codon 883 of the MSH3 protein (p.Asp883Tyr). This variant is not present in population databases (gnomAD no frequency). This variant has not been reported in the literature in individuals affected with MSH3-related conditions. ClinVar contains an entry for this variant (Variation ID: 1060116).

NM_002439.5(MSH3):c.2647G>T (p.Asp883Tyr)

Gene: MSH3 (mutS homolog 3; plus strand). Cytogenetic location: 5q14.1.
Variant type: single nucleotide variant.
Coding change: c.2647G>T on transcript NM_002439.5 (MANE Select); coding-DNA position 2647, G replaced by T.
Protein change: p.Asp883Tyr; replaces aspartic acid 883 with tyrosine.
Molecular consequence: missense variant.
Genome position (GRCh38, 1-based): chr5:80,792,836, G>T. VCF-style: chr5-80792836-G-T. GRCh37 (hg19) VCF-style: chr5-80088655-G-T.
Other names: short protein forms D883Y.
Identifiers: ClinVar variation 1060116 (VCV001060116.11), dbSNP rs896080306, ClinGen allele CA121296593.